The following is an entry in ClinVar:

NM_001029883.3(PCARE):c.2191G>A (p.Val731Ile)

Gene: PCARE (photoreceptor cilium actin regulator; minus strand). Cytogenetic location: 2p23.2.
Variant type: single nucleotide variant.
Coding change: c.2191G>A on transcript NM_001029883.3 (MANE Select); coding-DNA position 2191, G replaced by A.
Protein change: p.Val731Ile; replaces valine 731 with isoleucine.
Molecular consequence: missense variant.
Genome position (GRCh38, 1-based): chr2:29,072,071, C>T on the plus strand (G>A on the coding strand, the complement: PCARE is on the minus strand). VCF-style: chr2-29072071-C-T. GRCh37 (hg19) VCF-style: chr2-29294937-C-T.
Other names: short protein forms V731I.
Identifiers: ClinVar variation 498463 (VCV000498463.18), dbSNP rs201790782, ClinGen allele CA1592260.

ClinVar aggregate classification (germline): Conflicting classifications of pathogenicity. Review status: criteria provided, conflicting classifications (1 of 4 stars). 4 submissions from 4 submitters: Uncertain significance (2); Likely benign (2). Last evaluated 2025-08-18.

Conditions:
PCARE-related disorder. Also called: PCARE-related condition.

Allele frequency attached by ClinVar (database versions not stated): ESP Exome Variant Server 0.00008; gnomAD 0.00010; 1000 Genomes Project 0.00020; TOPMed 0.00020; 1000 Genomes Project 30x 0.00031; gnomAD exomes 0.00046; ExAC 0.00049.
gnomAD v4.1: 460 of 1,614,218 alleles (0.028%); highest among the groups gnomAD compares: South Asian, 0.23%; 2 homozygotes.

Submissions (4):

Labcorp Genetics (formerly Invitae), Labcorp
Classification: Likely benign. Last evaluated: 2025-08-18. Review status: criteria provided, single submitter. Criteria: Invitae Variant Classification Sherloc (09022015). Collection method: clinical testing. Allele origin: germline.

Blueprint Genetics
Classification: Uncertain significance. Last evaluated: 2024-11-06. Review status: criteria provided, single submitter. Criteria: ACMG Guidelines, 2015. Collection method: clinical testing. Allele origin: germline.

PreventionGenetics, part of Exact Sciences
Classification: Likely benign for PCARE-related condition. Last evaluated: 2024-10-29. Review status: criteria provided, single submitter. Criteria: ACMG Guidelines, 2015. Collection method: clinical testing. Allele origin: germline.
Comment: This variant is classified as likely benign based on ACMG/AMP sequence variant interpretation guidelines (Richards et al. 2015 PMID: 25741868, with internal and published modifications).

Eurofins Ntd Llc (ga)
Classification: Uncertain significance. Last evaluated: 2016-12-02. Review status: criteria provided, single submitter. Criteria: EGL Classification Definitions 2015. Collection method: clinical testing. Allele origin: germline. Observed: 1 variant allele, 1 heterozygote.